The following is an entry in ClinVar:

ClinVar aggregate classification (germline): Uncertain significance (1 of 4 stars; one submission).

Conditions:
Dilated cardiomyopathy 1O (CMD1O). Also called: CARDIOMYOPATHY, DILATED, WITH VENTRICULAR TACHYCARDIA. Identifiers: Orphanet 154, MedGen C1837839, MONDO:0012062, OMIM 608569.

Submission:

Labcorp Genetics (formerly Invitae), Labcorp
Classification: Uncertain significance for Dilated cardiomyopathy 1O. Last evaluated: 2022-06-17. Review status: criteria provided, single submitter. Criteria: Invitae Variant Classification Sherloc (09022015). Collection method: clinical testing. Allele origin: germline.
Comment: In summary, the available evidence is currently insufficient to determine the role of this variant in disease. Therefore, it has been classified as a Variant of Uncertain Significance. Algorithms developed to predict the effect of sequence changes on RNA splicing suggest that this variant may disrupt the consensus splice site. This variant has not been reported in the literature in individuals affected with ABCC9-related conditions. This variant is not present in population databases (gnomAD no frequency). This sequence change falls in intron 10 of the ABCC9 gene. It does not directly change the encoded amino acid sequence of the ABCC9 protein.

NM_020297.4(ABCC9):c.1619-14_1619-11del

Gene: ABCC9 (ATP binding cassette subfamily C member 9; minus strand). Cytogenetic location: 12p12.1.
Variant type: Deletion.
Coding change: c.1619-14_1619-11del on transcript NM_020297.4 (MANE Select); 14 bases into the intron before coding-DNA position 1619 through 11 bases into the intron before coding-DNA position 1619, 4 bases deleted (ATTT; older notation c.1619-14_1619-11delATTT).
Molecular consequence: intron variant.
Genome position (GRCh38, 1-based): chr12:21,895,326-21,895,329, AAAT deleted on the plus strand (ATTT on the coding strand, the reverse complement: ABCC9 is on the minus strand); deleting any 4 consecutive bases within chr12:21,895,326-21,895,332 gives the same sequence; the c. name uses the placement nearest the transcript's 3' end. VCF-style (leftmost placement, unchanged base first): chr12-21895325-GAAAT-G. GRCh37 (hg19) VCF-style: chr12-22048259-GAAAT-G.
Other names: c.755-14_755-11del (NM_001377274.1); c.1619-14_1619-11del (NM_005691.4, NM_001377273.1).
Identifiers: ClinVar variation 2006906 (VCV002006906.4), dbSNP rs2541521506, ClinGen allele CA2580085272.
Genomic context (GRCh38, chr12:21,895,325, plus strand): 5'-AGTGTCTTACAGCAAGAACAGCTGCTATGGGAATTGCTGCATTCATGAAGACTGTGGAAA[GAAAT>G]AAAATGCATTAGTTTCATTGAACTGTGAAAACATTTTCAGTAACTTTAATCATCTATTAT-3'